The following is an entry in ClinVar:

ClinVar aggregate classification (germline): Uncertain significance. Review status: criteria provided, multiple submitters, no conflicts (2 of 4 stars). 2 submissions from 2 submitters: Uncertain significance (2). Last evaluated 2023-12-11.

Conditions:
Cardiovascular phenotype. Identifiers: MedGen CN230736.
Cutis laxa, autosomal recessive, type 1B (ARCL1B). Also called: EFEMP2-Related Cutis Laxa; CUTIS LAXA, AUTOSOMAL RECESSIVE, TYPE IB. Identifiers: Orphanet 90349, MedGen C3280798, MONDO:0013754, OMIM 614437. Disease mechanism: loss of function.

Allele frequency attached by ClinVar (database versions not stated): gnomAD 0.00003; gnomAD exomes 0.00004 and 0.00006; ExAC 0.00005; TOPMed 0.00005.
gnomAD v4.1: 61 of 1,614,070 alleles (0.0038%); highest among the groups gnomAD compares: South Asian, 0.0077%; no homozygotes.

Submissions (2):

Labcorp Genetics (formerly Invitae), Labcorp
Classification: Uncertain significance for Cutis laxa, autosomal recessive, type 1B. Last evaluated: 2023-12-11. Review status: criteria provided, single submitter. Criteria: Invitae Variant Classification Sherloc (09022015). Collection method: clinical testing. Allele origin: germline.
Comment: This sequence change replaces valine, which is neutral and non-polar, with isoleucine, which is neutral and non-polar, at codon 436 of the EFEMP2 protein (p.Val436Ile). This variant is present in population databases (rs774228818, gnomAD 0.02%). This variant has not been reported in the literature in individuals affected with EFEMP2-related conditions. ClinVar contains an entry for this variant (Variation ID: 1022190). Advanced modeling of protein sequence and biophysical properties (such as structural, functional, and spatial information, amino acid conservation, physicochemical variation, residue mobility, and thermodynamic stability) performed at Invitae indicates that this missense variant is not expected to disrupt EFEMP2 protein function with a negative predictive value of 80%. In summary, the available evidence is currently insufficient to determine the role of this variant in disease. Therefore, it has been classified as a Variant of Uncertain Significance.

Ambry Genetics
Classification: Uncertain significance for Cardiovascular phenotype. Last evaluated: 2023-12-03. Review status: criteria provided, single submitter. Criteria: Ambry Variant Classification Scheme 2023. Collection method: clinical testing. Allele origin: germline.
Comment: The p.V436I variant (also known as c.1306G>A), located in coding exon 10 of the EFEMP2 gene, results from a G to A substitution at nucleotide position 1306. The valine at codon 436 is replaced by isoleucine, an amino acid with highly similar properties. This amino acid position is not well conserved in available vertebrate species, and isoleucine is the reference amino acid in other vertebrate species. In addition, this alteration is predicted to be tolerated by in silico analysis. Since supporting evidence is limited at this time, the clinical significance of this alteration remains unclear.

NM_016938.5(EFEMP2):c.1306G>A (p.Val436Ile)

Genes: EFEMP2 (EGF-like fibulin extracellular matrix protein 2; minus strand), MUS81 (MUS81 structure-specific endonuclease subunit; plus strand). Cytogenetic location: 11q13.1.
Variant type: single nucleotide variant.
Coding change: c.1306G>A on transcript NM_016938.5 (MANE Select); coding-DNA position 1306, G replaced by A.
Protein change: p.Val436Ile; replaces valine 436 with isoleucine.
Molecular consequence: missense variant. On other transcripts: non-coding transcript variant (1).
Genome position (GRCh38, 1-based): chr11:65,866,944, C>T on the plus strand (G>A on the coding strand, the complement: EFEMP2 is on the minus strand). VCF-style: chr11-65866944-C-T. GRCh37 (hg19) VCF-style: chr11-65634415-C-T.
Other names: short protein forms V436I.
Identifiers: ClinVar variation 1022190 (VCV001022190.6), dbSNP rs774228818, ClinGen allele CA6110346.